The following is an entry in ClinVar:

ClinVar aggregate classification (germline): Uncertain significance. Review status: criteria provided, multiple submitters, no conflicts (2 of 4 stars). 2 submissions from 2 submitters: Uncertain significance (2). Last evaluated 2025-11-04.

Conditions:
Inborn genetic diseases. Identifiers: MedGen C0950123, MeSH D030342.

gnomAD v4.1: 13 of 1,614,146 alleles (0.00081%); highest among the groups gnomAD compares: Non-Finnish European, 0.0011%; no homozygotes.

Submissions (2):

Labcorp Genetics (formerly Invitae), Labcorp
Classification: Uncertain significance. Last evaluated: 2025-11-04. Review status: criteria provided, single submitter. Criteria: Invitae Variant Classification Sherloc (09022015). Collection method: clinical testing. Allele origin: germline.
Comment: This sequence change replaces proline, which is neutral and non-polar, with serine, which is neutral and polar, at codon 35 of the MYH9 protein (p.Pro35Ser). This variant is not present in population databases (gnomAD no frequency). This variant has not been reported in the literature in individuals affected with MYH9-related conditions. ClinVar contains an entry for this variant (Variation ID: 3401019). Invitae Evidence Modeling of protein sequence and biophysical properties (such as structural, functional, and spatial information, amino acid conservation, physicochemical variation, residue mobility, and thermodynamic stability) has been performed for this missense variant. However, the output from this modeling did not meet the statistical confidence thresholds required to predict the impact of this variant on MYH9 protein function. In summary, the available evidence is currently insufficient to determine the role of this variant in disease. Therefore, it has been classified as a Variant of Uncertain Significance.

Ambry Genetics
Classification: Uncertain significance for Inborn genetic diseases. Last evaluated: 2024-09-30. Review status: criteria provided, single submitter. Criteria: Ambry Variant Classification Scheme 2023. Collection method: clinical testing. Allele origin: germline.

NM_002473.6(MYH9):c.103C>T (p.Pro35Ser)

Gene: MYH9 (myosin heavy chain 9; minus strand). Cytogenetic location: 22q12.3.
Variant type: single nucleotide variant.
Coding change: c.103C>T on transcript NM_002473.6 (MANE Select); coding-DNA position 103, C replaced by T.
Protein change: p.Pro35Ser; replaces proline 35 with serine.
Molecular consequence: missense variant.
Genome position (GRCh38, 1-based): chr22:36,349,134, G>A on the plus strand (C>T on the coding strand, the complement: MYH9 is on the minus strand). VCF-style: chr22-36349134-G-A. GRCh37 (hg19) VCF-style: chr22-36745179-G-A.
Other names: short protein forms P35S.
Identifiers: ClinVar variation 3401019 (VCV003401019.3).
Genomic context (GRCh38, chr22:36,349,134, plus strand): 5'-TGGCCTCTTCGCCCACCTCCTCCTTGAGGCTGGCTGGCTCAAAGCCACTCTTGTCGGAAG[G>A]CACCCATACCAGCTTCTTGGCAGCCCAGTCGGCCTGGGCCAGCGGATTGTTGATGAAGTT-3'
Protein context (NP_002464.1, residues 25-45): DWAAKKLVWV[Pro35Ser]SDKSGFEPAS